The following is an entry in ClinVar:

ClinVar aggregate classification (germline): Uncertain significance (1 of 4 stars; one submission).

Conditions:
Leukodystrophy, hypomyelinating, 2. Also called: PELIZAEUS-MERZBACHER-LIKE DISEASE, 1. Identifiers: Orphanet 280270, Orphanet 280282, MedGen C1837355, MONDO:0012125, OMIM 608804.

Submission:

3billion
Classification: Uncertain significance for Leukodystrophy, hypomyelinating, 2. Last evaluated: 2022-09-01. Review status: criteria provided, single submitter. Criteria: ACMG Guidelines, 2015. Collection method: clinical testing. Allele origin: germline. Affected: yes. Observed: 1 homozygote.
Comment: The variant is not observed in the gnomAD v2.1.1 dataset. In silico tool predictions suggest damaging effect of the variant on gene or gene product (REVEL: 0.94; 3Cnet: 1.00). However, the evidence of pathogenicity is insufficient at this time. Therefore, this variant is classified as uncertain significance according to the recommendation of ACMG/AMP guideline.

NM_020435.4(GJC2):c.293C>A (p.Ala98Asp)

Gene: GJC2 (gap junction protein gamma 2; plus strand). Cytogenetic location: 1q42.13.
Variant type: single nucleotide variant.
Coding change: c.293C>A on transcript NM_020435.4 (MANE Select); coding-DNA position 293, C replaced by A.
Protein change: p.Ala98Asp; replaces alanine 98 with aspartic acid.
Molecular consequence: missense variant.
Genome position (GRCh38, 1-based): chr1:228,158,051, C>A. VCF-style: chr1-228158051-C-A. GRCh37 (hg19) VCF-style: chr1-228345752-C-A.
Other names: short protein forms A98D.
Identifiers: ClinVar variation 1705684 (VCV001705684.1), dbSNP rs2527875630, ClinGen allele CA345097316.